The following is an entry in ClinVar:

NM_003361.4(UMOD):c.1633C>T (p.Gln545Ter)

Gene: UMOD (uromodulin; minus strand). Cytogenetic location: 16p12.3.
Variant type: single nucleotide variant.
Coding change: c.1633C>T on transcript NM_003361.4 (MANE Select); coding-DNA position 1633, C replaced by T.
Protein change: p.Gln545Ter; replaces glutamine 545 with a stop codon.
Molecular consequence: nonsense. On other transcripts: non-coding transcript variant (1).
Genome position (GRCh38, 1-based): chr16:20,337,398, G>A on the plus strand (C>T on the coding strand, the complement: UMOD is on the minus strand). VCF-style: chr16-20337398-G-A. GRCh37 (hg19) VCF-style: chr16-20348720-G-A.
Other names: c.1633C>T, p.Gln545Ter (NM_001008389.3, NM_001378232.1, NM_001378233.1); c.1732C>T, p.Gln578Ter (NM_001278614.2); c.1774C>T, p.Gln592Ter (NM_001378234.1, NM_001378235.1); short protein forms Q545*, Q578*, Q592*.
Identifiers: ClinVar variation 3253080 (VCV003253080.1), dbSNP rs1209195613.

ClinVar aggregate classification (germline): Uncertain significance (1 of 4 stars; one submission).

Allele frequency attached by ClinVar (database versions not stated): gnomAD exomes below 0.00001; TOPMed below 0.00001; gnomAD 0.00001.
gnomAD v4.1: 2 of 1,614,048 alleles (0.00012%); highest among the groups gnomAD compares: Non-Finnish European, 0.00017%; no homozygotes.

Submission:

GeneDx
Classification: Uncertain significance. Last evaluated: 2023-10-18. Review status: criteria provided, single submitter. Criteria: GeneDx Variant Classification Process June 2021. Collection method: clinical testing. Allele origin: germline. Affected: yes.
Comment: Nonsense variant predicted to result in protein truncation or nonsense mediated decay in a gene for which loss of function is not a well-established mechanism of disease; Has not been previously published as pathogenic or benign to our knowledge